The following is an entry in ClinVar:

ClinVar aggregate classification (germline): Uncertain significance (1 of 4 stars; one submission).

Conditions:
Inborn genetic diseases. Identifiers: MedGen C0950123, MeSH D030342.

Allele frequency attached by ClinVar (database versions not stated): gnomAD exomes below 0.00001.

Submission:

Ambry Genetics
Classification: Uncertain significance for Inborn genetic diseases. Last evaluated: 2022-11-20. Review status: criteria provided, single submitter. Criteria: Ambry Variant Classification Scheme 2023. Collection method: clinical testing. Allele origin: germline.
Comment: The p.M533L variant (also known as c.1597A>T), located in coding exon 12 of the ACD gene, results from an A to T substitution at nucleotide position 1597. The methionine at codon 533 is replaced by leucine, an amino acid with highly similar properties. This amino acid position is conserved. In addition, this alteration is predicted to be tolerated by in silico analysis. Since supporting evidence is limited at this time, the clinical significance of this alteration remains unclear.

NM_001082486.2(ACD):c.1339A>T (p.Met447Leu)

Gene: ACD (ACD shelterin complex subunit and telomerase recruitment factor; minus strand). Cytogenetic location: 16q22.1.
Variant type: single nucleotide variant.
Coding change: c.1339A>T on transcript NM_001082486.2 (MANE Select); coding-DNA position 1339, A replaced by T.
Protein change: p.Met447Leu; replaces methionine 447 with leucine.
Molecular consequence: missense variant.
Genome position (GRCh38, 1-based): chr16:67,657,644, T>A on the plus strand (A>T on the coding strand, the complement: ACD is on the minus strand). VCF-style: chr16-67657644-T-A. GRCh37 (hg19) VCF-style: chr16-67691547-T-A.
Other names: c.1252A>T, p.Met418Leu (NM_001410884.1); c.1330A>T, p.Met444Leu (NM_022914.3); short protein forms M444L, M418L, M447L.
Identifiers: ClinVar variation 2452428 (VCV002452428.2), dbSNP rs1567639267, ClinGen allele CA396349614.